The following is an entry in ClinVar:

NM_001206927.2(DNAH8):c.13992G>C (p.Leu4664=)

Gene: DNAH8 (dynein axonemal heavy chain 8; plus strand). Cytogenetic location: 6p21.2.
Variant type: single nucleotide variant.
Coding change: c.13992G>C on transcript NM_001206927.2 (MANE Select); coding-DNA position 13992, G replaced by C.
Protein change: p.Leu4664=; no amino-acid change (leucine 4664 retained).
Molecular consequence: synonymous variant.
Genome position (GRCh38, 1-based): chr6:39,030,260, G>C. VCF-style: chr6-39030260-G-C. GRCh37 (hg19) VCF-style: chr6-38998036-G-C.
Other names: c.13341G>C, p.Leu4447= (NM_001371.4).
Identifiers: ClinVar variation 454556 (VCV000454556.38), dbSNP rs371719991, ClinGen allele CA3791833.

ClinVar aggregate classification (germline): Likely benign. Review status: criteria provided, multiple submitters, no conflicts (2 of 4 stars). 4 submissions from 4 submitters: Likely benign (4). Last evaluated 2026-01-29.

Conditions:
Primary ciliary dyskinesia. Also called: Ciliary dyskinesia. Identifiers: Orphanet 244, MedGen C0008780, MONDO:0016575, HP:0012265.
DNAH8-related disorder. Also called: DNAH8-related condition.

Allele frequency attached by ClinVar (database versions not stated): ExAC 0.00026; gnomAD 0.00042 and 0.00046; TOPMed 0.00047; ESP Exome Variant Server 0.00062.
gnomAD v4.1: 1,031 of 1,614,038 alleles (0.064%); highest among the groups gnomAD compares: Non-Finnish European, 0.079%; no homozygotes.

Submissions (4):

Labcorp Genetics (formerly Invitae), Labcorp
Classification: Likely benign for Primary ciliary dyskinesia. Last evaluated: 2026-01-29. Review status: criteria provided, single submitter. Criteria: Invitae Variant Classification Sherloc (09022015). Collection method: clinical testing. Allele origin: germline.

PreventionGenetics, part of Exact Sciences
Classification: Likely benign for DNAH8-related condition. Last evaluated: 2025-12-27. Review status: criteria provided, single submitter. Criteria: ACMG Guidelines, 2015. Collection method: clinical testing. Allele origin: germline.
Comment: This variant is classified as likely benign based on ACMG/AMP sequence variant interpretation guidelines (Richards et al. 2015 PMID: 25741868, with internal and published modifications).

Blueprint Genetics
Classification: Likely benign. Last evaluated: 2024-08-07. Review status: criteria provided, single submitter. Criteria: ACMG Guidelines, 2015. Collection method: clinical testing. Allele origin: germline.

CeGaT Center for Human Genetics Tuebingen
Classification: Likely benign. Last evaluated: 2022-07-01. Review status: criteria provided, single submitter. Criteria: CeGaT Center For Human Genetics Tuebingen Variant Classification Criteria Version 2. Collection method: clinical testing. Allele origin: germline. Affected: yes. Observed: 1 variant allele.
Comment: DNAH8: BP4, BP7